The following is an entry in ClinVar:

NM_001365276.2(TNXB):c.8845C>T (p.Pro2949Ser)

Gene: TNXB (tenascin XB; minus strand). Cytogenetic location: 6p21.33.
Variant type: single nucleotide variant.
Coding change: c.8845C>T on transcript NM_001365276.2 (MANE Select); coding-DNA position 8845, C replaced by T.
Protein change: p.Pro2949Ser; replaces proline 2949 with serine.
Molecular consequence: missense variant.
Genome position (GRCh38, 1-based): chr6:32,052,940, G>A on the plus strand (C>T on the coding strand, the complement: TNXB is on the minus strand). VCF-style: chr6-32052940-G-A. GRCh37 (hg19) VCF-style: chr6-32020717-G-A.
Other names: c.8839C>T, p.Pro2947Ser (NM_019105.8); short protein forms P2947S, P2949S.
Identifiers: ClinVar variation 2636962 (VCV002636962.1), dbSNP rs149492184, ClinGen allele CA363545680.
Genomic context (GRCh38, chr6:32,052,940, plus strand): 5'-TCAGCGAGTCAGGGGAGGATCCTGTCACTGTCAGCTCCCCCAGGAGCGGCTCCTCAGGGG[G>A]CTCCGGGGCCTCCGTGCTGGGTTCTGTGGGGGCGGGAGTTTCTTCCTCTGCAGCTGAGAA-3'
Protein context (NP_001352205.1, residues 2939-2959): PTEPSTEAPE[Pro2949Ser]PEEPLLGELT

ClinVar aggregate classification (germline): Uncertain significance (1 of 4 stars; one submission).

Conditions:
TNXB-related disorder. Also called: TNXB-related condition.

Submission:

PreventionGenetics, part of Exact Sciences
Classification: Uncertain significance for TNXB-related condition. Last evaluated: 2022-10-14. Review status: criteria provided, single submitter. Criteria: ACMG Guidelines, 2015. Collection method: clinical testing. Allele origin: germline.
Comment: The TNXB c.8839C>T variant is predicted to result in the amino acid substitution p.Pro2947Ser. To our knowledge, this variant has not been reported in the literature or in a large population database, indicating this variant is rare. At this time, the clinical significance of this variant is uncertain due to the absence of conclusive functional and genetic evidence.